The following is an entry in ClinVar:

NM_001079802.2(FKTN):c.836A>G (p.Glu279Gly)

Gene: FKTN (fukutin; plus strand). Cytogenetic location: 9q31.2.
Variant type: single nucleotide variant.
Coding change: c.836A>G on transcript NM_001079802.2 (MANE Select); coding-DNA position 836, A replaced by G.
Protein change: p.Glu279Gly; replaces glutamic acid 279 with glycine.
Molecular consequence: missense variant. On other transcripts: non-coding transcript variant (1).
Genome position (GRCh38, 1-based): chr9:105,615,333, A>G. VCF-style: chr9-105615333-A-G. GRCh37 (hg19) VCF-style: chr9-108377614-A-G.
Other names: c.836A>G, p.Glu279Gly (NM_001198963.2, NM_001351496.2, NM_001351498.2 and 1 more transcripts); c.767A>G, p.Glu256Gly (NM_001351497.2); c.440A>G, p.Glu147Gly (NM_001351499.2, NM_001351500.2, NM_001351501.2 and 1 more transcripts); short protein forms E147G, E256G, E279G.
Identifiers: ClinVar variation 2417303 (VCV002417303.5), dbSNP rs760534318, ClinGen allele CA5170503.

ClinVar aggregate classification (germline): Uncertain significance. Review status: criteria provided, multiple submitters, no conflicts (2 of 4 stars). 2 submissions from 2 submitters: Uncertain significance (2). Last evaluated 2022-12-11.

Conditions:
Cardiovascular phenotype. Identifiers: MedGen CN230736.
Walker-Warburg congenital muscular dystrophy. Also called: Muscular dystrophy-dystroglycanopathy, type A; Walker-Warburg syndrome. Identifiers: Orphanet 899, MedGen C0265221, MONDO:0000171.

Allele frequency attached by ClinVar (database versions not stated): gnomAD 0.00001; gnomAD exomes 0.00001; TOPMed 0.00001; ExAC 0.00002.

Submissions (2):

Ambry Genetics
Classification: Uncertain significance for Cardiovascular phenotype. Last evaluated: 2022-12-11. Review status: criteria provided, single submitter. Criteria: Ambry Variant Classification Scheme 2023. Collection method: clinical testing. Allele origin: germline.
Comment: The p.E279G variant (also known as c.836A>G), located in coding exon 6 of the FKTN gene, results from an A to G substitution at nucleotide position 836. The glutamic acid at codon 279 is replaced by glycine, an amino acid with similar properties. This amino acid position is conserved. In addition, this alteration is predicted to be tolerated by in silico analysis. Since supporting evidence is limited at this time, the clinical significance of this alteration remains unclear.

Labcorp Genetics (formerly Invitae), Labcorp
Classification: Uncertain significance for Walker-Warburg congenital muscular dystrophy. Last evaluated: 2022-10-24. Review status: criteria provided, single submitter. Criteria: Invitae Variant Classification Sherloc (09022015). Collection method: clinical testing. Allele origin: germline.
Comment: This sequence change replaces glutamic acid, which is acidic and polar, with glycine, which is neutral and non-polar, at codon 279 of the FKTN protein (p.Glu279Gly). This variant is present in population databases (rs760534318, gnomAD 0.02%). This variant has not been reported in the literature in individuals affected with FKTN-related conditions. Advanced modeling of protein sequence and biophysical properties (such as structural, functional, and spatial information, amino acid conservation, physicochemical variation, residue mobility, and thermodynamic stability) performed at Invitae indicates that this missense variant is not expected to disrupt FKTN protein function. In summary, the available evidence is currently insufficient to determine the role of this variant in disease. Therefore, it has been classified as a Variant of Uncertain Significance.